The following is an entry in ClinVar:

ClinVar aggregate classification (germline): Likely benign (1 of 4 stars; one submission).

Submission:

CeGaT Center for Human Genetics Tuebingen
Classification: Likely benign. Last evaluated: 2023-05-01. Review status: criteria provided, single submitter. Criteria: CeGaT Center For Human Genetics Tuebingen Variant Classification Criteria Version 2. Collection method: clinical testing. Allele origin: germline. Affected: yes. Observed: 1 variant allele.
Comment: RPL19: BP4, BP7

NM_000981.4(RPL19):c.70T>C (p.Leu24=)

Gene: RPL19 (ribosomal protein L19; plus strand). Cytogenetic location: 17q12.
Variant type: single nucleotide variant.
Coding change: c.70T>C on transcript NM_000981.4 (MANE Select); coding-DNA position 70, T replaced by C.
Protein change: p.Leu24=; no amino-acid change (leucine 24 retained).
Molecular consequence: synonymous variant.
Genome position (GRCh38, 1-based): chr17:39,201,277, T>C. VCF-style: chr17-39201277-T-C. GRCh37 (hg19) VCF-style: chr17-37357530-T-C.
Other names: c.64T>C, p.Leu22= (NM_001330200.1).
Identifiers: ClinVar variation 2647713 (VCV002647713.24), dbSNP rs919093989, ClinGen allele CA290376180.